The following is an entry in ClinVar:

ClinVar aggregate classification (germline): Likely pathogenic (1 of 4 stars; one submission).

Conditions:
Immunoglobulin-mediated membranoproliferative glomerulonephritis. Also called: NEPHROTIC SYNDROME, TYPE 7, WITH MEMBRANOPROLIFERATIVE GLOMERULONEPHRITIS; Nephrotic syndrome, type 7. Identifiers: Orphanet 329903, MedGen C3554330, MONDO:0014005, OMIM 615008.

Submission:

Clinical Research Development Center, Iran University of Medical Sciences (IUMS)
Classification: Likely pathogenic for Immunoglobulin-mediated membranoproliferative glomerulonephritis. Last evaluated: 2026-06-28. Review status: criteria provided, single submitter. Criteria: ACMG Guidelines, 2015. Collection method: clinical testing. Allele origin: germline. Inheritance: Autosomal recessive inheritance. Affected: yes. Observed: 1 variant allele, 1 homozygote.
Comment: The c.624+1G>T variant in DGKE was absent from large population studies (PM2). It is a null variant in a gene where loss of function is a known mechanism of disease; so, it results in an absent or disrupted protein product (PVS1).

Literature cited by the submitters: PubMed 32838746.

NM_003647.3(DGKE):c.624+1G>T

Gene: DGKE (diacylglycerol kinase epsilon; plus strand). Cytogenetic location: 17q22.
Variant type: single nucleotide variant.
Coding change: c.624+1G>T on transcript NM_003647.3 (MANE Select); the canonical splice donor site of the intron after coding-DNA position 624, G replaced by T.
Molecular consequence: splice donor variant.
Genome position (GRCh38, 1-based): chr17:56,844,179, G>T. VCF-style: chr17-56844179-G-T. GRCh37 (hg19) VCF-style: chr17-54921540-G-T.
Identifiers: ClinVar variation 4857341 (VCV004857341.1).